The following is an entry in ClinVar:

ClinVar aggregate classification (germline): Uncertain significance. Review status: criteria provided, multiple submitters, no conflicts (2 of 4 stars). 2 submissions from 2 submitters: Uncertain significance (2). Last evaluated 2024-07-16.

Conditions:
Early-infantile DEE. Also called: Early infantile epileptic encephalopathy; Ohtahara syndrome; Early infantile epileptic encephalopathy with suppression bursts. Identifiers: Orphanet 1934, MedGen C0393706, MONDO:0800491.
Inborn genetic diseases. Identifiers: MedGen C0950123, MeSH D030342.

Allele frequency attached by ClinVar (database versions not stated): 1000 Genomes Project 0.00020; 1000 Genomes Project 30x 0.00016; ExAC 0.00003.
gnomAD v4.1: 11 of 1,614,210 alleles (0.00068%); highest among the groups gnomAD compares: South Asian, 0.011%; no homozygotes.

Submissions (2):

Labcorp Genetics (formerly Invitae), Labcorp
Classification: Uncertain significance for Early-infantile DEE. Last evaluated: 2024-07-16. Review status: criteria provided, single submitter. Criteria: Invitae Variant Classification Sherloc (09022015). Collection method: clinical testing. Allele origin: germline.
Comment: This sequence change replaces valine, which is neutral and non-polar, with leucine, which is neutral and non-polar, at codon 753 of the KCNH5 protein (p.Val753Leu). This variant is present in population databases (rs576506235, gnomAD 0.02%). This variant has not been reported in the literature in individuals affected with KCNH5-related conditions. ClinVar contains an entry for this variant (Variation ID: 2556371). Advanced modeling of protein sequence and biophysical properties (such as structural, functional, and spatial information, amino acid conservation, physicochemical variation, residue mobility, and thermodynamic stability) performed at Invitae indicates that this missense variant is not expected to disrupt KCNH5 protein function with a negative predictive value of 95%. In summary, the available evidence is currently insufficient to determine the role of this variant in disease. Therefore, it has been classified as a Variant of Uncertain Significance.

Ambry Genetics
Classification: Uncertain significance for Inborn genetic diseases. Last evaluated: 2023-06-05. Review status: criteria provided, single submitter. Criteria: Ambry Variant Classification Scheme 2023. Collection method: clinical testing. Allele origin: germline.

NM_139318.5(KCNH5):c.2257G>T (p.Val753Leu)

Gene: KCNH5 (potassium voltage-gated channel subfamily H member 5; minus strand). Cytogenetic location: 14q23.2.
Variant type: single nucleotide variant.
Coding change: c.2257G>T on transcript NM_139318.5 (MANE Select); coding-DNA position 2257, G replaced by T.
Protein change: p.Val753Leu; replaces valine 753 with leucine.
Molecular consequence: missense variant. On other transcripts: 3 prime UTR variant (1).
Genome position (GRCh38, 1-based): chr14:62,708,218, C>A on the plus strand (G>T on the coding strand, the complement: KCNH5 is on the minus strand). VCF-style: chr14-62708218-C-A. GRCh37 (hg19) VCF-style: chr14-63174936-C-A.
Other names: c.*224G>T (NM_172375.3); short protein forms V753L.
Identifiers: ClinVar variation 2556371 (VCV002556371.4), dbSNP rs576506235, ClinGen allele CA7217286.